The following is an entry in ClinVar:

NM_001304376.3(ADGRG5):c.1576A>G (p.Thr526Ala)

Gene: ADGRG5 (adhesion G protein-coupled receptor G5; plus strand). Cytogenetic location: 16q21.
Variant type: single nucleotide variant.
Coding change: c.1576A>G on transcript NM_001304376.3 (MANE Select); coding-DNA position 1576, A replaced by G.
Protein change: p.Thr526Ala; replaces threonine 526 with alanine.
Molecular consequence: missense variant. On other transcripts: 3 prime UTR variant (1).
Genome position (GRCh38, 1-based): chr16:57,575,527, A>G. VCF-style: chr16-57575527-A-G. GRCh37 (hg19) VCF-style: chr16-57609439-A-G.
Other names: c.*102A>G (NM_001318481.2); c.1576A>G, p.Thr526Ala (NM_153837.4); short protein forms T526A.
Identifiers: ClinVar variation 2646559 (VCV002646559.24), dbSNP rs2543818053, ClinGen allele CA396033287.

ClinVar aggregate classification (germline): Uncertain significance (1 of 4 stars; one submission).

Submission:

CeGaT Center for Human Genetics Tuebingen
Classification: Uncertain significance. Last evaluated: 2022-04-01. Review status: criteria provided, single submitter. Criteria: CeGaT Center For Human Genetics Tuebingen Variant Classification Criteria Version 2. Collection method: clinical testing. Allele origin: germline. Affected: yes. Observed: 1 variant allele.
Comment: ADGRG5: PM2, BP4